The following is an entry in ClinVar:

NM_000500.9(CYP21A2):c.293-13C>A

Genes: CYP21A2 (cytochrome P450 family 21 subfamily A member 2; plus strand), LOC106780800 (CYP21A2 recombination region; plus strand). Cytogenetic location: 6p21.33.
Variant type: single nucleotide variant.
Coding change: c.293-13C>A on transcript NM_000500.9 (MANE Select); 13 bases into the intron before coding-DNA position 293, C replaced by A.
Molecular consequence: intron variant. On other transcripts: 5 prime UTR variant (2).
Genome position (GRCh38, 1-based): chr6:32,039,081, C>A. VCF-style: chr6-32039081-C-A. GRCh37 (hg19) VCF-style: chr6-32006858-C-A.
Other names: c.-126C>A (NM_001368143.2, NM_001368144.2); c.203-13C>A (NM_001128590.4).
Identifiers: ClinVar variation 196278 (VCV000196278.26), dbSNP rs6467, ClinGen allele CA202254.
Genomic context (GRCh38, chr6:32,039,081, plus strand): 5'-GGAGGCCGAAGAAGGTCAGGCCCTCAGCTGCCTTCATCAGTTCCCACCCTCCAGCCCCCA[C>A]CTCCTCCTGCAGACAAGCTGGTGTCTAGGAACTACCCGGACCTGTCCTTGGGAGACTACT-3'

ClinVar aggregate classification (germline): Benign. Review status: criteria provided, multiple submitters, no conflicts (2 of 4 stars). 12 submissions from 12 submitters: Benign (9). 3 of the submissions do not count toward it. Last evaluated 2026-02-04.

Conditions:
21-Hydroxylase-Deficient Congenital Adrenal Hyperplasia. Also called: ADRENAL HYPERPLASIA III; ADRENAL HYPERPLASIA, CONGENITAL, DUE TO 21-HYDROXYLASE DEFICIENCY. Identifiers: MedGen C2936858, OMIM 201910.

Allele frequency attached by ClinVar (database versions not stated): ESP Exome Variant Server 0.62935; TOPMed 0.63586; 1000 Genomes Project 30x 0.64553; 1000 Genomes Project 0.65076.

Submissions (15):

Labcorp Genetics (formerly Invitae), Labcorp
Classification: Benign. Last evaluated: 2026-02-04. Review status: criteria provided, single submitter. Criteria: Invitae Variant Classification Sherloc (09022015). Collection method: clinical testing. Allele origin: germline.

Dasa
Classification: Benign. Last evaluated: 2025-12-15. Review status: criteria provided, single submitter. Criteria: DASA Assertion Criteria. Collection method: clinical testing. Allele origin: germline.
Comment: NM_001368143.2(CYP21A2):c.-126C>A is interpreted as benign based on a combination of available evidence, which may include population frequency, observations in unaffected individuals, intact protein function, lack of segregation with disease, in silico models, amino acid conservation, lack of disease association in case-control studies, and/or inconsistency with the known disease mechanism or impacted region. Based on the available data, this variant is classified as benign.

Genomic Medicine Center of Excellence, King Faisal Specialist Hospital and Research Centre
Classification: Benign for 21-Hydroxylase-Deficient Congenital Adrenal Hyperplasia. Last evaluated: 2024-12-17. Review status: criteria provided, single submitter. Criteria: ACMG Guidelines, 2015. Collection method: clinical testing. Allele origin: germline.

Blueprint Genetics
Classification: Benign. Last evaluated: 2024-11-27. Review status: criteria provided, single submitter. Criteria: ACMG Guidelines, 2015. Collection method: clinical testing. Allele origin: germline.

Department of Pathology and Laboratory Medicine, Sinai Health System
Classification: Benign for classic congenital adrenal hyperplasia due to 21-hydroxylase deficiency. Last evaluated: 2023-04-24. Review status: criteria provided, single submitter. Criteria: ACMG Guidelines, 2015. Collection method: research. Allele origin: germline.

Genome-Nilou Lab
Classification: Benign for 21-Hydroxylase-Deficient Congenital Adrenal Hyperplasia. Last evaluated: 2021-05-12. Review status: criteria provided, single submitter. Criteria: ACMG Guidelines, 2015. Collection method: clinical testing. Allele origin: germline. Affected: no.

GeneDx
Classification: Benign. Last evaluated: 2019-02-15. Review status: criteria provided, single submitter. Criteria: GeneDx Variant Classification Process June 2021. Collection method: clinical testing. Allele origin: germline. Affected: yes.

Eurofins Ntd Llc (ga)
Classification: Benign. Last evaluated: 2014-09-23. Review status: criteria provided, single submitter. Criteria: EGL Classification Definitions 2015. Collection method: clinical testing. Allele origin: germline. Observed: 31 variant alleles, 16 heterozygotes, 16 homozygotes.

PreventionGenetics, part of Exact Sciences
Classification: Benign. Review status: criteria provided, single submitter. Criteria: ACMG Guidelines, 2015. Collection method: clinical testing. Allele origin: germline.

Diagnostic Laboratory, Department of Genetics, University Medical Center Groningen
Classification: Benign. Review status: no assertion criteria provided. Collection method: clinical testing. Allele origin: germline. Affected: yes. Study: VKGL Data-share Consensus. Not counted in ClinVar's aggregate classification.

Dr. Peter K. Rogan Lab, Western University
No classification provided (evidence only). Condition: Hepatocellular carcinoma. Review status: no classification provided. Collection method: in vitro. Allele origin: not applicable. Functional consequence: retained intron. Not counted in ClinVar's aggregate classification.

Dr. Peter K. Rogan Lab, Western University
No classification provided (evidence only). Condition: Hepatocellular carcinoma. Review status: no classification provided. Collection method: in vitro. Allele origin: not applicable. Functional consequence: retained intron. Not counted in ClinVar's aggregate classification.

Dr. Peter K. Rogan Lab, Western University
No classification provided (evidence only). Condition: Uveal melanoma. Review status: no classification provided. Collection method: in vitro. Allele origin: not applicable. Functional consequence: retained intron. Not counted in ClinVar's aggregate classification.

Genome Diagnostics Laboratory, University Medical Center Utrecht
Classification: Benign. Review status: no assertion criteria provided. Collection method: clinical testing. Allele origin: germline. Affected: yes. Study: VKGL Data-share Consensus. Not counted in ClinVar's aggregate classification.

Neuberg Centre For Genomic Medicine, NCGM
Classification: Pathogenic for 21-Hydroxylase-Deficient Congenital Adrenal Hyperplasia. Last evaluated: 2024-02-01. Review status: flagged submission. Criteria: ACMG Guidelines, 2015. Collection method: clinical testing. Allele origin: germline. Inheritance: Autosomal recessive inheritance. Not counted in ClinVar's aggregate classification.
Comment: The intron variant c.293-13C>A variant in CYP21A2 gene, also known as In2G variant, represents the most common CYP21A2 gene changes related to the classic 21OHD form. The In2G variant is frequent in patients with 21OHD (Kocova et al., 2022). The c.293-13C>A variant is present with allele frequency of 0.63% in gnomAD Exomes. This variant has been submitted to the ClinVar database as Benign. It normally causes severe disease; however, the clinical presentation can vary from the SW form, through the SV form and rarely the NC form. Thus, there is a difference in the severity of 21OHD within group A. The mechanism underlying the variation in the clinical phenotype of the In2G variant was widely discussed. The most accredited hypothesis is that a small number of transcripts avoid aberrant splicing, providing a small amount of the 21- hydroxylase enzyme, which is sufficient for a milder clinical presentation of the disease (Kocova et al., 2022). For these reasons, this variant has been classified as Pathogenic.
ClinVar note: Reason: Outlier claim with insufficient supporting evidence